The following is an entry in ClinVar:

NM_000393.5(COL5A2):c.3309+6G>A

Gene: COL5A2 (collagen type V alpha 2 chain; minus strand). Cytogenetic location: 2q32.2.
Variant type: single nucleotide variant.
Coding change: c.3309+6G>A on transcript NM_000393.5 (MANE Select); 6 bases into the intron after coding-DNA position 3309, G replaced by A.
Molecular consequence: intron variant.
Genome position (GRCh38, 1-based): chr2:189,045,794, C>T on the plus strand (G>A on the coding strand, the complement: COL5A2 is on the minus strand). VCF-style: chr2-189045794-C-T. GRCh37 (hg19) VCF-style: chr2-189910520-C-T.
Identifiers: ClinVar variation 1410137 (VCV001410137.5), dbSNP rs775681859, ClinGen allele CA430321133.

ClinVar aggregate classification (germline): Uncertain significance (1 of 4 stars; one submission).

Conditions:
Ehlers-Danlos syndrome, classic type, 1 (EDSCL1). Also called: EHLERS-DANLOS SYNDROME, GRAVIS TYPE; EHLERS-DANLOS SYNDROME, SEVERE CLASSIC TYPE; Ehlers-Danlos syndrome, type 1; Ehlers-Danlos Syndrome, Classic Type, COL5A1-Related; EDS I. Identifiers: MedGen C0268335, MONDO:0019567, OMIM 130000.

gnomAD v4.1: 5 of 1,613,136 alleles (0.00031%); highest among the groups gnomAD compares: East Asian, 0.0022%; no homozygotes.

Submission:

Labcorp Genetics (formerly Invitae), Labcorp
Classification: Uncertain significance for Ehlers-Danlos syndrome, classic type, 1. Last evaluated: 2025-10-26. Review status: criteria provided, single submitter. Criteria: Invitae Variant Classification Sherloc (09022015). Collection method: clinical testing. Allele origin: germline.
Comment: This sequence change falls in intron 46 of the COL5A2 gene. It does not directly change the encoded amino acid sequence of the COL5A2 protein. It affects a nucleotide within the consensus splice site. This variant is present in population databases (no rsID available, gnomAD 0.0009%). This variant has not been reported in the literature in individuals affected with COL5A2-related conditions. ClinVar contains an entry for this variant (Variation ID: 1410137). Variants that disrupt the consensus splice site are a relatively common cause of aberrant splicing (PMID: 17576681, 9536098). Algorithms developed to predict the effect of sequence changes on RNA splicing suggest that this variant is not likely to affect RNA splicing. In summary, the available evidence is currently insufficient to determine the role of this variant in disease. Therefore, it has been classified as a Variant of Uncertain Significance.

Literature cited by the submitters: PubMed 17576681; PubMed 9536098.